The following is an entry in ClinVar:

ClinVar aggregate classification (germline): Uncertain significance. Review status: criteria provided, multiple submitters, no conflicts (2 of 4 stars). 2 submissions from 2 submitters: Uncertain significance (2). Last evaluated 2026-02-11.

Conditions:
Medulloblastoma (MDB). Also called: Medulloblastoma, somatic; MEDULLOBLASTOMA PREDISPOSITION SYNDROME. Identifiers: Orphanet 616, MedGen C0025149, MeSH D008527, MONDO:0007959, OMIM 155255, HP:0002885.

Submissions (2):

St. Jude Molecular Pathology, St. Jude Children's Research Hospital
Classification: Uncertain significance for Medulloblastoma. Last evaluated: 2026-02-11. Review status: criteria provided, single submitter. Criteria: St. Jude Assertion Criteria 2020. Collection method: clinical testing. Allele origin: germline.
Comment: The GPR161 c.1027C>T p.(Arg343Trp) missense change has a maximum subpopulation frequency of 0.007% in gnomAD v2.1.1. The in silico tool REVEL is inconclusive about a pathogenic or benign effect of this variant on protein function, and to our knowledge functional studies have not been performed. To our knowledge, this variant has not been reported in the literature in individuals with medulloblastoma. In summary, the evidence currently available is insufficient to determine the clinical significance of this variant. It has therefore been classified as of uncertain significance.

Ambry Genetics
Classification: Uncertain significance. Last evaluated: 2025-05-30. Review status: criteria provided, single submitter. Criteria: Ambry Variant Classification Scheme 2023. Collection method: clinical testing. Allele origin: germline.

NM_001375883.1(GPR161):c.1027C>T (p.Arg343Trp)

Gene: GPR161 (G protein-coupled receptor 161; minus strand). Cytogenetic location: 1q24.2.
Variant type: single nucleotide variant.
Coding change: c.1027C>T on transcript NM_001375883.1 (MANE Select); coding-DNA position 1027, C replaced by T.
Protein change: p.Arg343Trp; replaces arginine 343 with tryptophan.
Molecular consequence: missense variant.
Genome position (GRCh38, 1-based): chr1:168,096,580, G>A on the plus strand (C>T on the coding strand, the complement: GPR161 is on the minus strand). VCF-style: chr1-168096580-G-A. GRCh37 (hg19) VCF-style: chr1-168065818-G-A.
Other names: c.1087C>T, p.Arg363Trp (NM_001267609.1); c.1027C>T, p.Arg343Trp (NM_001267610.2, NM_001349632.1, NM_001349633.1 and 5 more transcripts); c.1078C>T, p.Arg360Trp (NM_001267611.1); c.631C>T, p.Arg211Trp (NM_001267612.2, NM_001349635.1); c.793C>T, p.Arg265Trp (NM_001267613.1); c.685C>T, p.Arg229Trp (NM_001267614.1); c.1027C>T (NM_153832.2); short protein forms R343W, R360W, R229W, R363W, R211W, R265W.
Identifiers: ClinVar variation 4031557 (VCV004031557.2).